The following is an entry in ClinVar:

NM_000264.5(PTCH1):c.71C>G (p.Pro24Arg)

Genes: PTCH1 (patched 1; minus strand), LOC130002133 (ATAC-STARR-seq lymphoblastoid silent region 20071; plus strand). Cytogenetic location: 9q22.32.
Variant type: single nucleotide variant.
Coding change: c.71C>G on transcript NM_000264.5 (MANE Select); coding-DNA position 71, C replaced by G.
Protein change: p.Pro24Arg; replaces proline 24 with arginine.
Molecular consequence: missense variant. On other transcripts: non-coding transcript variant (1), intron variant (3).
Genome position (GRCh38, 1-based): chr9:95,508,291, G>C on the plus strand (C>G on the coding strand, the complement: PTCH1 is on the minus strand). VCF-style: chr9-95508291-G-C. GRCh37 (hg19) VCF-style: chr9-98270573-G-C.
Other names: c.71C>G (NM_000264.3); c.71C>G, p.Pro24Arg (NM_001354918.2); c.199-1692C>G (NM_001083603.3); c.4-1692C>G (NM_001083602.3, NM_001354919.2); short protein forms P24R.
Identifiers: ClinVar variation 1053681 (VCV001053681.15), dbSNP rs767973616, ClinGen allele CA374121476.
Genomic context (GRCh38, chr9:95,508,291, plus strand): 5'-GCGGCAGCACGGCGCAGCCCCCCCGTCCGTCTGCGCCTCCCGCCTCCAGCCGGCCGTCCC[G>C]GGGCACCGATACAGCCGCTGCCGCCGCCGCCGCGGTCCTGGGGCTCGGCGGCGTTACCAG-3'
Protein context (NP_000255.2, residues 14-34): GGGGSGCIGA[Pro24Arg]GRPAGGGRRR

ClinVar aggregate classification (germline): Uncertain significance. Review status: criteria provided, multiple submitters, no conflicts (2 of 4 stars). 2 submissions from 2 submitters: Uncertain significance (2). Last evaluated 2026-02-19.

Conditions:
Hereditary cancer-predisposing syndrome. Also called: Hereditary Cancer Syndrome; Neoplastic Syndromes, Hereditary; Tumor predisposition; Hereditary neoplastic syndrome. Identifiers: Orphanet 140162, MedGen C0027672, MeSH D009386, MONDO:0015356.
Gorlin syndrome. Also called: Basal cell nevus syndrome; Nevoid Basal Cell Carcinoma Syndrome. Identifiers: Orphanet 377, MedGen C0004779, MONDO:0007187.

Submissions (2):

Ambry Genetics
Classification: Uncertain significance for Hereditary cancer-predisposing syndrome. Last evaluated: 2026-02-19. Review status: criteria provided, single submitter. Criteria: Ambry Variant Classification Scheme 2023. Collection method: clinical testing. Allele origin: germline.
Comment: The p.P24R variant (also known as c.71C>G), located in coding exon 1 of the PTCH1 gene, results from a C to G substitution at nucleotide position 71. The proline at codon 24 is replaced by arginine, an amino acid with dissimilar properties. This amino acid position is conserved. In addition, this alteration is predicted to be tolerated by in silico analysis. Based on the available evidence, the clinical significance of this variant remains unclear.

Labcorp Genetics (formerly Invitae), Labcorp
Classification: Uncertain significance for Gorlin syndrome. Last evaluated: 2022-09-27. Review status: criteria provided, single submitter. Criteria: Invitae Variant Classification Sherloc (09022015). Collection method: clinical testing. Allele origin: germline.
Comment: In summary, the available evidence is currently insufficient to determine the role of this variant in disease. Therefore, it has been classified as a Variant of Uncertain Significance. This variant has not been reported in the literature in individuals affected with PTCH1-related conditions. ClinVar contains an entry for this variant (Variation ID: 1053681). Advanced modeling of protein sequence and biophysical properties (such as structural, functional, and spatial information, amino acid conservation, physicochemical variation, residue mobility, and thermodynamic stability) performed at Invitae indicates that this missense variant is not expected to disrupt PTCH1 protein function. This sequence change replaces proline, which is neutral and non-polar, with arginine, which is basic and polar, at codon 24 of the PTCH1 protein (p.Pro24Arg). This variant is not present in population databases (gnomAD no frequency).